The following is an entry in ClinVar:

ClinVar aggregate classification (germline): Uncertain significance. Review status: criteria provided, multiple submitters, no conflicts (2 of 4 stars). 2 submissions from 2 submitters: Uncertain significance (2). Last evaluated 2024-03-07.

Conditions:
Fanconi anemia complementation group P. Also called: SLX4-Related Fanconi Anemia. Identifiers: Orphanet 84, MedGen C3469542, MONDO:0013499, OMIM 613951.
Fanconi anemia (FA). Also called: Fanconi's anemia. Identifiers: Orphanet 84, MedGen C0015625, MeSH D005199, MONDO:0019391.

Allele frequency attached by ClinVar (database versions not stated): gnomAD 0.00001.

Submissions (2):

Fulgent Genetics
Classification: Uncertain significance for Fanconi anemia complementation group P. Last evaluated: 2024-03-07. Review status: criteria provided, single submitter. Criteria: ACMG Guidelines, 2015. Collection method: clinical testing. Allele origin: germline.

Labcorp Genetics (formerly Invitae), Labcorp
Classification: Uncertain significance for Fanconi anemia. Last evaluated: 2023-07-07. Review status: criteria provided, single submitter. Criteria: Invitae Variant Classification Sherloc (09022015). Collection method: clinical testing. Allele origin: germline.
Comment: Algorithms developed to predict the effect of missense changes on protein structure and function output the following: SIFT: "Not Available"; PolyPhen-2: "Benign"; Align-GVGD: "Not Available". The glycine amino acid residue is found in multiple mammalian species, which suggests that this missense change does not adversely affect protein function. This variant has not been reported in the literature in individuals affected with SLX4-related conditions. This variant is not present in population databases (gnomAD no frequency). This sequence change replaces cysteine, which is neutral and slightly polar, with glycine, which is neutral and non-polar, at codon 1324 of the SLX4 protein (p.Cys1324Gly). In summary, the available evidence is currently insufficient to determine the role of this variant in disease. Therefore, it has been classified as a Variant of Uncertain Significance.

NM_032444.4(SLX4):c.3970T>G (p.Cys1324Gly)

Gene: SLX4 (SLX4 structure-specific endonuclease subunit; minus strand). Cytogenetic location: 16p13.3.
Variant type: single nucleotide variant.
Coding change: c.3970T>G on transcript NM_032444.4 (MANE Select); coding-DNA position 3970, T replaced by G.
Protein change: p.Cys1324Gly; replaces cysteine 1324 with glycine.
Molecular consequence: missense variant.
Genome position (GRCh38, 1-based): chr16:3,589,668, A>C on the plus strand (T>G on the coding strand, the complement: SLX4 is on the minus strand). VCF-style: chr16-3589668-A-C. GRCh37 (hg19) VCF-style: chr16-3639669-A-C.
Other names: short protein forms C1324G.
Identifiers: ClinVar variation 2959061 (VCV002959061.4), dbSNP rs1381701258, ClinGen allele CA394518678.